The following is an entry in ClinVar:

NM_001165963.4(SCN1A):c.5053G>C (p.Ala1685Pro)

Genes: SCN1A (sodium voltage-gated channel alpha subunit 1; minus strand), LOC102724058 (uncharacterized LOC102724058; plus strand). Cytogenetic location: 2q24.3.
Variant type: single nucleotide variant.
Coding change: c.5053G>C on transcript NM_001165963.4 (MANE Select); coding-DNA position 5053, G replaced by C.
Protein change: p.Ala1685Pro; replaces alanine 1685 with proline.
Molecular consequence: missense variant. On other transcripts: non-coding transcript variant (1).
Genome position (GRCh38, 1-based): chr2:165,992,222, C>G on the plus strand (G>C on the coding strand, the complement: SCN1A is on the minus strand). VCF-style: chr2-165992222-C-G. GRCh37 (hg19) VCF-style: chr2-166848732-C-G.
Other names: c.4969G>C, p.Ala1657Pro (NM_001165964.3, NM_001353957.2, NM_001353958.2); c.5053G>C, p.Ala1685Pro (NM_001202435.3, NM_001353948.2); c.5020G>C, p.Ala1674Pro (NM_001353949.2, NM_001353950.2, NM_001353951.2 and 2 more transcripts); c.5017G>C, p.Ala1673Pro (NM_001353954.2, NM_001353955.2); c.4966G>C, p.Ala1656Pro (NM_001353960.2); c.2611G>C, p.Ala871Pro (NM_001353961.2); short protein forms A1674P, A1685P, A1656P, A1673P, A871P, A1657P.
Identifiers: ClinVar variation 420824 (VCV000420824.2), dbSNP rs760249153, ClinGen allele CA16617284.

ClinVar aggregate classification (germline): Pathogenic (1 of 4 stars; one submission).

Submission:

GeneDx
Classification: Pathogenic. Last evaluated: 2017-04-19. Review status: criteria provided, single submitter. Criteria: GeneDx Variant Classification (06012015). Collection method: clinical testing. Allele origin: germline. Affected: yes.
Comment: A apparently de novo A1685P pathogenic variant has been identified in the SCN1A gene. The A1685P variant has not been published as a pathogenic variant, nor has it been reported as a benign variant to our knowledge. It was not observed in approximately 6,500 individuals of European and African American ancestry in the NHLBI Exome Sequencing Project, indicating it is not a common benign variant in these populations. The A1685P variant is a semi-conservative amino acid substitution, which may impact secondary protein structure as these residues differ in some properties. This substitution occurs at a conserved position that is predicted to be within the transmembrane segment S5 of the fourth homologous domain, and in silico analysis predicts this variant is probably damaging to the protein structure/function. Additionally, different amnio acid substitutions at the same position (A1685D and A1685V) and missense variants in nearby residues (Y1684S and F1687S) have been reported in association with SCN1A-related disorders (Stenson et al., 2014S; SCN1A Variant Database), supporting the functional importance of this region of the protein. The A1685P variant in the SCN1A gene, previously reported as a likely pathogenic variant, as been reclassified as a pathogenic variant based parental testing.